The following is an entry in ClinVar:

ClinVar aggregate classification (germline): Uncertain significance (1 of 4 stars; one submission).

Allele frequency attached by ClinVar (database versions not stated): TOPMed below 0.00001; gnomAD 0.00001; gnomAD exomes 0.00001; ExAC 0.00002.
gnomAD v4.1: 11 of 1,582,382 alleles (0.0007%); highest among the groups gnomAD compares: South Asian, 0.0095%; no homozygotes.

Submission:

Labcorp Genetics (formerly Invitae), Labcorp
Classification: Uncertain significance. Last evaluated: 2023-05-23. Review status: criteria provided, single submitter. Criteria: Invitae Variant Classification Sherloc (09022015). Collection method: clinical testing. Allele origin: germline.
Comment: In summary, the available evidence is currently insufficient to determine the role of this variant in disease. Therefore, it has been classified as a Variant of Uncertain Significance. Advanced modeling of protein sequence and biophysical properties (such as structural, functional, and spatial information, amino acid conservation, physicochemical variation, residue mobility, and thermodynamic stability) performed at Invitae indicates that this missense variant is not expected to disrupt ANLN protein function. ClinVar contains an entry for this variant (Variation ID: 1941919). This variant has not been reported in the literature in individuals affected with ANLN-related conditions. This variant is present in population databases (rs760132586, gnomAD 0.008%). This sequence change replaces histidine, which is basic and polar, with tyrosine, which is neutral and polar, at codon 468 of the ANLN protein (p.His468Tyr).

NM_018685.5(ANLN):c.1402C>T (p.His468Tyr)

Gene: ANLN (anillin, actin binding protein; plus strand). Cytogenetic location: 7p14.2.
Variant type: single nucleotide variant.
Coding change: c.1402C>T on transcript NM_018685.5 (MANE Select); coding-DNA position 1402, C replaced by T.
Protein change: p.His468Tyr; replaces histidine 468 with tyrosine.
Molecular consequence: missense variant.
Genome position (GRCh38, 1-based): chr7:36,415,764, C>T. VCF-style: chr7-36415764-C-T. GRCh37 (hg19) VCF-style: chr7-36455373-C-T.
Other names: c.1402C>T, p.His468Tyr (NM_001284301.3, NM_001284302.3); short protein forms H468Y.
Identifiers: ClinVar variation 1941919 (VCV001941919.5), dbSNP rs760132586, ClinGen allele CA4219600.